The following is an entry in ClinVar:

NM_181332.3(NLGN4X):c.1144G>A (p.Gly382Ser)

Gene: NLGN4X (neuroligin 4 X-linked; minus strand). Cytogenetic location: Xp22.32.
Variant type: single nucleotide variant.
Coding change: c.1144G>A on transcript NM_181332.3 (MANE Select); coding-DNA position 1144, G replaced by A.
Protein change: p.Gly382Ser; replaces glycine 382 with serine.
Molecular consequence: missense variant.
Genome position (GRCh38, 1-based): chrX:5,903,534, C>T on the plus strand (G>A on the coding strand, the complement: NLGN4X is on the minus strand). VCF-style: chrX-5903534-C-T. GRCh37 (hg19) VCF-style: chrX-5821575-C-T.
Other names: c.1144G>A, p.Gly382Ser (NM_001282145.2, NM_001282146.2, NM_020742.4); c.1144G>A (NM_020742.3); short protein forms G382S.
Identifiers: ClinVar variation 589342 (VCV000589342.7), dbSNP rs760969834, ClinGen allele CA10341067.

ClinVar aggregate classification (germline): Uncertain significance. Review status: criteria provided, multiple submitters, no conflicts (2 of 4 stars). 4 submissions from 4 submitters: Uncertain significance (2). 2 of the submissions do not count toward it. Last evaluated 2023-08-30.

Conditions:
Inborn genetic diseases. Identifiers: MedGen C0950123, MeSH D030342.

Allele frequency attached by ClinVar (database versions not stated): gnomAD exomes 0.00001; TOPMed 0.00002; ExAC 0.00003; gnomAD 0.00003.
gnomAD v4.1: 11 of 1,207,431 alleles (0.00091%); highest among the groups gnomAD compares: Admixed American, 0.0044%; no homozygotes.

Submissions (4):

Women's Health and Genetics/Laboratory Corporation of America, LabCorp
Classification: Uncertain significance. Last evaluated: 2023-08-30. Review status: criteria provided, single submitter. Criteria: LabCorp Variant Classification Summary - May 2015. Collection method: clinical testing. Allele origin: germline.
Comment: Variant summary: NLGN4X c.1144G>A (p.Gly382Ser) results in a non-conservative amino acid change located in the carboxylesterase, type B domain (IPR002018) of the encoded protein sequence. Three of five in-silico tools predict a benign effect of the variant on protein function. The variant allele was found at a frequency of 1.1e-05 in 174596 control chromosomes (gnomAD). The available data on variant occurrences in the general population are insufficient to allow any conclusion about variant significance. To our knowledge, no occurrence of c.1144G>A in individuals affected with NLGN4X-Related Disorders and no experimental evidence demonstrating its impact on protein function have been reported. One submitter has cited a clinical-significance assessment for this variant to ClinVar after 2014 and has classified the variant as uncertain significance. Based on the evidence outlined above, the variant was classified as uncertain significance.

Ambry Genetics
Classification: Uncertain significance for Inborn genetic diseases. Last evaluated: 2016-07-27. Review status: criteria provided, single submitter. Criteria: Ambry Variant Classification Scheme 2023. Collection method: clinical testing. Allele origin: germline.
Comment: The p.G382S variant (also known as c.1144G>A), located in coding exon 4 of the NLGN4X gene, results from a G to A substitution at nucleotide position 1144. The glycine at codon 382 is replaced by serine, an amino acid with similar properties. This variant was not reported in population based cohorts in the following databases: Database of Single Nucleotide Polymorphisms (dbSNP), NHLBI Exome Sequencing Project (ESP), and 1000 Genomes Project. In the ESP, this variant was not observed in 6466 samples with coverage at this position. This amino acid position is well conserved in available vertebrate species. In addition, this alteration is predicted to be tolerated by in silico analysis. Since supporting evidence is limited at this time, the clinical significance of this alteration remains unclear.

Clinical Genetics DNA and cytogenetics Diagnostics Lab, Erasmus MC, Erasmus Medical Center
Classification: Uncertain significance. Review status: no assertion criteria provided. Collection method: clinical testing. Allele origin: germline. Affected: yes. Study: VKGL Data-share Consensus. Not counted in ClinVar's aggregate classification.

Laboratory of Diagnostic Genome Analysis, Leiden University Medical Center (LUMC)
Classification: Uncertain significance. Review status: no assertion criteria provided. Collection method: clinical testing. Allele origin: germline. Affected: yes. Study: VKGL Data-share Consensus. Not counted in ClinVar's aggregate classification.